The following is an entry in ClinVar:

ClinVar aggregate classification (germline): Likely pathogenic (1 of 4 stars; one submission).

Conditions:
Diamond-Blackfan anemia. Also called: Blackfan Diamond syndrome; Aregenerative anemia chronic congenital; Red cell aplasia, pure hereditary; Congenital hypoplastic anemia; Aase syndrome. Identifiers: Orphanet 124, MedGen C1260899, MeSH D029503, MONDO:0015253, HP:0004810.

Submission:

Broad Center for Mendelian Genomics, Broad Institute of MIT and Harvard
Classification: Likely pathogenic for Diamond-Blackfan anemia. Last evaluated: 2024-05-13. Review status: criteria provided, single submitter. Criteria: ACMG Guidelines, 2015. Collection method: curation. Allele origin: germline. Inheritance: Autosomal dominant inheritance.
Comment: Trio exome analysis showed this variant to be de novo. This variant was absent from large population studies. Computational prediction tools and conservation analyses suggest that this variant may impact the protein, though this information is not predictive enough to determine pathogenicity. One additional likely pathogenic variant, resulting in a different amino acid change at the same position, p.Arg121His, has been reported in association with disease in the literature, slightly supporting that a change at this position may not be tolerated (PMID: 34958143). In summary, although additional studies are required to fully establish its clinical significance, this variant is likely pathogenic for autosomal dominant Diamond-Blackfan anemia. ACMG/AMP Criteria applied: PS2_Supporting, PM2_Supporting, PP3_Moderate, PM5 (Richards 2015).

NM_001022.4(RPS19):c.362G>T (p.Arg121Leu)

Genes: RPS19 (ribosomal protein S19; plus strand), RPS19-CD79A (RPS19-CD79A readthrough; plus strand). Cytogenetic location: 19q13.2.
Variant type: single nucleotide variant.
Coding change: c.362G>T on transcript NM_001022.4 (MANE Select); coding-DNA position 362, G replaced by T.
Protein change: p.Arg121Leu; replaces arginine 121 with leucine.
Molecular consequence: missense variant. On other transcripts: synonymous variant (1).
Genome position (GRCh38, 1-based): chr19:41,869,704, G>T. VCF-style: chr19-41869704-G-T. GRCh37 (hg19) VCF-style: chr19-42373774-G-T.
Other names: NM_001321485.2:c.375G>T; c.375G>T, p.Pro125= (NM_001321485.2); c.362G>T, p.Arg121Leu (NM_001321483.2, NM_001321484.2); short protein forms R121L.
Identifiers: ClinVar variation 3236682 (VCV003236682.1), dbSNP rs2074126696, ClinGen allele CA406030654.